The following is an entry in ClinVar:

NM_017433.5(MYO3A):c.1544G>T (p.Arg515Leu)

Gene: MYO3A (myosin IIIA; plus strand). Cytogenetic location: 10p12.1.
Variant type: single nucleotide variant.
Coding change: c.1544G>T on transcript NM_017433.5 (MANE Select); coding-DNA position 1544, G replaced by T.
Protein change: p.Arg515Leu; replaces arginine 515 with leucine.
Molecular consequence: missense variant.
Genome position (GRCh38, 1-based): chr10:26,088,387, G>T. VCF-style: chr10-26088387-G-T. GRCh37 (hg19) VCF-style: chr10-26377316-G-T.
Other names: short protein forms R515L.
Identifiers: ClinVar variation 1900896 (VCV001900896.5), dbSNP rs200209381, ClinGen allele CA204360364.

ClinVar aggregate classification (germline): Uncertain significance (1 of 4 stars; one submission).

gnomAD v4.1: 1 of 1,613,672 alleles (0.000062%); highest among the groups gnomAD compares: Non-Finnish European, 0.000085%; no homozygotes.

Submission:

Labcorp Genetics (formerly Invitae), Labcorp
Classification: Uncertain significance. Last evaluated: 2022-05-12. Review status: criteria provided, single submitter. Criteria: Invitae Variant Classification Sherloc (09022015). Collection method: clinical testing. Allele origin: germline.
Comment: In summary, the available evidence is currently insufficient to determine the role of this variant in disease. Therefore, it has been classified as a Variant of Uncertain Significance. Algorithms developed to predict the effect of missense changes on protein structure and function (SIFT, PolyPhen-2, Align-GVGD) all suggest that this variant is likely to be disruptive. This variant has not been reported in the literature in individuals affected with MYO3A-related conditions. This variant is not present in population databases (gnomAD no frequency). This sequence change replaces arginine, which is basic and polar, with leucine, which is neutral and non-polar, at codon 515 of the MYO3A protein (p.Arg515Leu).